The following is an entry in ClinVar:

ClinVar aggregate classification (germline): Uncertain significance (1 of 4 stars; one submission).

Conditions:
Familial cancer of breast. Also called: BREAST CANCER, FAMILIAL; Hereditary breast cancer; hereditary breast carcinoma. Identifiers: Orphanet 227535, MedGen C0346153, MONDO:0016419, OMIM 114480. Disease mechanism: loss of function.

Submission:

Labcorp Genetics (formerly Invitae), Labcorp
Classification: Uncertain significance for Familial cancer of breast. Last evaluated: 2022-12-29. Review status: criteria provided, single submitter. Criteria: Invitae Variant Classification Sherloc (09022015). Collection method: clinical testing. Allele origin: unknown.
Comment: In summary, the available evidence is currently insufficient to determine the role of this variant in disease. Therefore, it has been classified as a Variant of Uncertain Significance. Experimental studies and prediction algorithms are not available or were not evaluated, and the functional significance of this variant is currently unknown. This variant has not been reported in the literature in individuals affected with CHEK2-related conditions. This variant results in a copy number gain of the genomic region encompassing exon(s) 14 of the CHEK2 gene. While the exact position of this variant cannot be determined from the data, sub-genic copy number gains are generally in tandem (PMID: 25640679). This variant is predicted to be in-frame, and likely preserves the integrity of the reading frame.

Literature cited by the submitters: PubMed 25640679.

NC_000022.10:g.(?_29085113)_(29085213_?)dup

Gene: CHEK2 (checkpoint kinase 2; minus strand). Cytogenetic location: 22q12.1.
Variant type: Duplication.
Identifiers: ClinVar variation 3247513 (VCV003247513.1).